The following is an entry in ClinVar:

NM_001923.5(DDB1):c.285C>T (p.Gly95=)

Gene: DDB1 (damage specific DNA binding protein 1; minus strand). Cytogenetic location: 11q12.2.
Variant type: single nucleotide variant.
Coding change: c.285C>T on transcript NM_001923.5 (MANE Select); coding-DNA position 285, C replaced by T.
Protein change: p.Gly95=; no amino-acid change (glycine 95 retained).
Molecular consequence: synonymous variant.
Genome position (GRCh38, 1-based): chr11:61,330,000, G>A on the plus strand (C>T on the coding strand, the complement: DDB1 is on the minus strand). VCF-style: chr11-61330000-G-A. GRCh37 (hg19) VCF-style: chr11-61097472-G-A.
Other names: NC_000011.9:g.61097472G>A.
Identifiers: ClinVar variation 3257111 (VCV003257111.18).
Genomic context (GRCh38, chr11:61,330,000, plus strand): 5'-CTAAAGCAGCCACCTCACCTGGACATTGCCATGGGCTCGCGTAATGATGTCAATGCTCTC[G>A]CCACTCTGTTTATACTCCAGGATGCAGGCATTGTACTTCGCTGTCAAGATAAACAGCAGG-3'
Protein context (NP_001914.3, residues 85-105): NACILEYKQS[Gly95=]ESIDIITRAH

ClinVar aggregate classification (germline): Likely benign (1 of 4 stars; one submission).

gnomAD v4.1: 47 of 1,613,706 alleles (0.0029%); highest among the groups gnomAD compares: Middle Eastern, 0.016%; no homozygotes.

Submissions (2):

CeGaT Center for Human Genetics Tuebingen
Classification: Likely benign. Last evaluated: 2024-07-01. Review status: criteria provided, single submitter. Criteria: CeGaT Center For Human Genetics Tuebingen Variant Classification Criteria Version 2. Collection method: clinical testing. Allele origin: germline. Affected: yes. Observed: 1 variant allele.
Comment: DDB1: BP4, BP7

Dr. Peter K. Rogan Lab, Western University
No classification provided (evidence only). Condition: Malignant tumor of esophagus. Review status: no classification provided. Collection method: in vitro. Allele origin: not applicable. Functional consequence: retained intron. Not counted in ClinVar's aggregate classification.